The following is an entry in ClinVar:

ClinVar aggregate classification (germline): Uncertain significance (1 of 4 stars; one submission).

Conditions:
Primary familial hypertrophic cardiomyopathy (HCM). Identifiers: Orphanet 99739, MedGen C0949658, MeSH D024741, MONDO:0024573. Inheritance: Various modes of inheritance.
Dilated cardiomyopathy 1AA (CMD1AA). Also called: CARDIOMYOPATHY, DILATED, 1AA, WITH OR WITHOUT LEFT VENTRICULAR NONCOMPACTION; CARDIOMYOPATHY, FAMILIAL HYPERTROPHIC, 23, WITH OR WITHOUT LEFT VENTRICULAR NONCOMPACTION; Cardiomyopathy, dilated, 1AA, with or without LVNC. Identifiers: Orphanet 154, MedGen C2677338, MONDO:0012808, OMIM 612158.

Allele frequency attached by ClinVar (database versions not stated): gnomAD exomes below 0.00001.
gnomAD v4.1: 1 of 1,612,770 alleles (0.000062%); highest among the groups gnomAD compares: Non-Finnish European, 0.000085%; no homozygotes.

Submission:

Labcorp Genetics (formerly Invitae), Labcorp
Classification: Uncertain significance for Primary familial hypertrophic cardiomyopathy; Dilated cardiomyopathy 1AA. Last evaluated: 2023-11-28. Review status: criteria provided, single submitter. Criteria: Invitae Variant Classification Sherloc (09022015). Collection method: clinical testing. Allele origin: germline.
Comment: This sequence change replaces isoleucine, which is neutral and non-polar, with valine, which is neutral and non-polar, at codon 79 of the ACTN2 protein (p.Ile79Val). This variant is present in population databases (no rsID available, gnomAD 0.0009%). This variant has not been reported in the literature in individuals affected with ACTN2-related conditions. Advanced modeling of protein sequence and biophysical properties (such as structural, functional, and spatial information, amino acid conservation, physicochemical variation, residue mobility, and thermodynamic stability) performed at Invitae indicates that this missense variant is expected to disrupt ACTN2 protein function with a positive predictive value of 80%. In summary, the available evidence is currently insufficient to determine the role of this variant in disease. Therefore, it has been classified as a Variant of Uncertain Significance.

NM_001103.4(ACTN2):c.235A>G (p.Ile79Val)

Gene: ACTN2 (actinin alpha 2; plus strand). Cytogenetic location: 1q43.
Variant type: single nucleotide variant.
Coding change: c.235A>G on transcript NM_001103.4 (MANE Select); coding-DNA position 235, A replaced by G.
Protein change: p.Ile79Val; replaces isoleucine 79 with valine.
Molecular consequence: missense variant. On other transcripts: non-coding transcript variant (1).
Genome position (GRCh38, 1-based): chr1:236,717,966, A>G. VCF-style: chr1-236717966-A-G. GRCh37 (hg19) VCF-style: chr1-236881266-A-G.
Other names: c.235A>G, p.Ile79Val (NM_001278343.2); c.-587A>G (NM_001278344.2); c.-712A>G (NM_001412150.1); short protein forms I79V.
Identifiers: ClinVar variation 2934743 (VCV002934743.3), dbSNP rs1376117612, ClinGen allele CA345373419.